The following is an entry in ClinVar:

NM_005159.5(ACTC1):c.954A>C (p.Glu318Asp)

Genes: ACTC1 (actin alpha cardiac muscle 1; minus strand), GJD2-DT (GJD2 divergent transcript; plus strand). Cytogenetic location: 15q14.
Variant type: single nucleotide variant.
Coding change: c.954A>C on transcript NM_005159.5 (MANE Select); coding-DNA position 954, A replaced by C.
Protein change: p.Glu318Asp; replaces glutamic acid 318 with aspartic acid.
Molecular consequence: missense variant.
Genome position (GRCh38, 1-based): chr15:34,791,150, T>G on the plus strand (A>C on the coding strand, the complement: ACTC1 is on the minus strand). VCF-style: chr15-34791150-T-G. GRCh37 (hg19) VCF-style: chr15-35083351-T-G.
Other names: c.954A>C (LRG_388t1); short protein forms E318D.
Identifiers: ClinVar variation 379262 (VCV000379262.3), dbSNP rs1057520547, ClinGen allele CA16606657.

ClinVar aggregate classification (germline): Uncertain significance (1 of 4 stars; one submission).

Submission:

GeneDx
Classification: Uncertain significance. Last evaluated: 2026-09-28. Review status: criteria provided, single submitter. Criteria: GeneDx Variant Classification Process June 2021. Collection method: clinical testing. Allele origin: germline.
Comment: Not observed at significant frequency in large population cohorts (gnomAD); In silico analysis suggests that this missense variant does not alter protein structure/function; Has not been previously published as pathogenic or benign to our knowledge